The following is an entry in ClinVar:

ClinVar aggregate classification (germline): Uncertain significance. Review status: criteria provided, multiple submitters, no conflicts (2 of 4 stars). 2 submissions from 2 submitters: Uncertain significance (2). Last evaluated 2025-11-19.

Conditions:
Inborn genetic diseases. Identifiers: MedGen C0950123, MeSH D030342.

gnomAD v4.1: 2 of 1,613,436 alleles (0.00012%); highest among the groups gnomAD compares: Admixed American, 0.0033%; no homozygotes.

Submissions (2):

Ambry Genetics
Classification: Uncertain significance for Inborn genetic diseases. Last evaluated: 2025-11-19. Review status: criteria provided, single submitter. Criteria: Ambry Variant Classification Scheme 2023. Collection method: clinical testing. Allele origin: germline.

Mayo Clinic Laboratories, Mayo Clinic
Classification: Uncertain significance. Last evaluated: 2024-04-26. Review status: criteria provided, single submitter. Criteria: ACMG Guidelines, 2015. Collection method: clinical testing. Allele origin: germline. Observed: 1 variant allele.
Comment: BP4, PM2

NM_004070.4(CLCNKA):c.679A>G (p.Met227Val)

Genes: CLCNKA (chloride voltage-gated channel Ka; plus strand), LOC106501712 (CLCNKA recombination region; plus strand). Cytogenetic location: 1p36.13.
Variant type: single nucleotide variant.
Coding change: c.679A>G on transcript NM_004070.4 (MANE Select); coding-DNA position 679, A replaced by G.
Protein change: p.Met227Val; replaces methionine 227 with valine.
Molecular consequence: missense variant.
Genome position (GRCh38, 1-based): chr1:16,027,333, A>G. VCF-style: chr1-16027333-A-G. GRCh37 (hg19) VCF-style: chr1-16353828-A-G.
Other names: p.Met227Val; c.679A>G (NM_004070.3); c.679A>G, p.Met227Val (NM_001042704.2); c.550A>G, p.Met184Val (NM_001257139.2); short protein forms M184V, M227V.
Identifiers: ClinVar variation 3379421 (VCV003379421.2).
Genomic context (GRCh38, chr1:16,027,333, plus strand): 5'-GGGGTGGGGGCCCACCTGACATCAGTGTCGCCCCCAGGCGTCCTGTTCAGCATCGAGGTC[A>G]TGTCTTCCCACTTCTCTGTCCGGGATTACTGGAGGGGCTTCTTTGCGGCCACCTGCGGGG-3'
Protein context (NP_004061.3, residues 217-237): FSGVLFSIEV[Met227Val]SSHFSVRDYW